The following is an entry in ClinVar:

ClinVar aggregate classification (germline): Uncertain significance (1 of 4 stars; one submission).

Submission:

Labcorp Genetics (formerly Invitae), Labcorp
Classification: Uncertain significance. Last evaluated: 2023-05-10. Review status: criteria provided, single submitter. Criteria: Invitae Variant Classification Sherloc (09022015). Collection method: clinical testing. Allele origin: germline.
Comment: In summary, the available evidence is currently insufficient to determine the role of this variant in disease. Therefore, it has been classified as a Variant of Uncertain Significance. Algorithms developed to predict the effect of missense changes on protein structure and function output the following: SIFT: "Not Available"; PolyPhen-2: "Benign"; Align-GVGD: "Not Available". The isoleucine amino acid residue is found in multiple mammalian species, which suggests that this missense change does not adversely affect protein function. ClinVar contains an entry for this variant (Variation ID: 1952278). This variant has not been reported in the literature in individuals affected with ADGRV1-related conditions. This variant is not present in population databases (gnomAD no frequency). This sequence change replaces valine, which is neutral and non-polar, with isoleucine, which is neutral and non-polar, at codon 5819 of the ADGRV1 protein (p.Val5819Ile).

NM_032119.4(ADGRV1):c.17455G>A (p.Val5819Ile)

Gene: ADGRV1 (adhesion G protein-coupled receptor V1; plus strand). Cytogenetic location: 5q14.3.
Variant type: single nucleotide variant.
Coding change: c.17455G>A on transcript NM_032119.4 (MANE Select); coding-DNA position 17455, G replaced by A.
Protein change: p.Val5819Ile; replaces valine 5819 with isoleucine.
Molecular consequence: missense variant. On other transcripts: non-coding transcript variant (1).
Genome position (GRCh38, 1-based): chr5:90,854,062, G>A. VCF-style: chr5-90854062-G-A. GRCh37 (hg19) VCF-style: chr5-90149879-G-A.
Other names: short protein forms V5819I.
Identifiers: ClinVar variation 1952278 (VCV001952278.3), dbSNP rs761286700, ClinGen allele CA360430421.